The following is an entry in ClinVar:

ClinVar aggregate classification (germline): Uncertain significance (1 of 4 stars; one submission).

gnomAD v4.1: 2 of 1,281,368 alleles (0.00016%); highest among the groups gnomAD compares: Non-Finnish European, 0.00021%; no homozygotes.

Submission:

Labcorp Genetics (formerly Invitae), Labcorp
Classification: Uncertain significance. Last evaluated: 2021-10-02. Review status: criteria provided, single submitter. Criteria: Invitae Variant Classification Sherloc (09022015). Collection method: clinical testing. Allele origin: germline.
Comment: In summary, the available evidence is currently insufficient to determine the role of this variant in disease. Therefore, it has been classified as a Variant of Uncertain Significance. Variants that disrupt the consensus splice site are a relatively common cause of aberrant splicing (PMID: 17576681, 9536098). Algorithms developed to predict the effect of sequence changes on RNA splicing suggest that this variant is not likely to affect RNA splicing. This variant has not been reported in the literature in individuals affected with KCNH1-related conditions. This variant is not present in population databases (ExAC no frequency). This sequence change falls in intron 10 of the KCNH1 gene. It does not directly change the encoded amino acid sequence of the KCNH1 protein. It affects a nucleotide within the consensus splice site of the intron.

Literature cited by the submitters: PubMed 17576681; PubMed 9536098.

NM_172362.3(KCNH1):c.2113-3C>T

Gene: KCNH1 (potassium voltage-gated channel subfamily H member 1; minus strand). Cytogenetic location: 1q32.2.
Variant type: single nucleotide variant.
Coding change: c.2113-3C>T on transcript NM_172362.3 (MANE Select); 3 bases into the intron before coding-DNA position 2113, C replaced by T.
Molecular consequence: intron variant.
Genome position (GRCh38, 1-based): chr1:210,684,141, G>A on the plus strand (C>T on the coding strand, the complement: KCNH1 is on the minus strand). VCF-style: chr1-210684141-G-A. GRCh37 (hg19) VCF-style: chr1-210857483-G-A.
Other names: c.2032-3C>T (NM_002238.4).
Identifiers: ClinVar variation 1418715 (VCV001418715.6), dbSNP rs2149001344, ClinGen allele CA2573131640.
Genomic context (GRCh38, chr1:210,684,141, plus strand): 5'-TTCGTTTCATGCGTTCTTCCTCTTCACGTTTCACATCGCTGATCTTCCGGAACACAATCT[G>A]GAGAGAGAGAGAGAGAGAATGACATGGCGTGTTAGCCACATGCTGGCTGCAGCAGCCCAG-3'